The following is an entry in ClinVar:

ClinVar aggregate classification (germline): Uncertain significance (1 of 4 stars; one submission).

Conditions:
Autosomal recessive limb-girdle muscular dystrophy type 2Y (MRRSDC). Also called: Muscular dystrophy, autosomal recessive, with rigid spine and distal joint contractures; Muscular dystrophy, limb-girdle, type 2y. Identifiers: Orphanet 424261, MedGen C4511482, MONDO:0014900, OMIM 617072.

Allele frequency attached by ClinVar (database versions not stated): ExAC 0.00001.
gnomAD v4.1: 3 of 1,608,478 alleles (0.00019%); highest among the groups gnomAD compares: South Asian, 0.0033%; no homozygotes.

Submission:

Labcorp Genetics (formerly Invitae), Labcorp
Classification: Uncertain significance for Autosomal recessive limb-girdle muscular dystrophy type 2Y. Last evaluated: 2022-06-10. Review status: criteria provided, single submitter. Criteria: Invitae Variant Classification Sherloc (09022015). Collection method: clinical testing. Allele origin: germline.
Comment: In summary, the available evidence is currently insufficient to determine the role of this variant in disease. Therefore, it has been classified as a Variant of Uncertain Significance. Algorithms developed to predict the effect of missense changes on protein structure and function output the following: SIFT: "Tolerated"; PolyPhen-2: "Benign"; Align-GVGD: "Class C0". The threonine amino acid residue is found in multiple mammalian species, which suggests that this missense change does not adversely affect protein function. This variant has not been reported in the literature in individuals affected with TOR1AIP1-related conditions. This variant is present in population databases (rs749139843, gnomAD 0.003%). This sequence change replaces isoleucine, which is neutral and non-polar, with threonine, which is neutral and polar, at codon 258 of the TOR1AIP1 protein (p.Ile258Thr).

NM_015602.4(TOR1AIP1):c.770T>C (p.Ile257Thr)

Gene: TOR1AIP1 (torsin 1A interacting protein 1; plus strand). Cytogenetic location: 1q25.2.
Variant type: single nucleotide variant.
Coding change: c.770T>C on transcript NM_015602.4 (MANE Select); coding-DNA position 770, T replaced by C.
Protein change: p.Ile257Thr; replaces isoleucine 257 with threonine.
Molecular consequence: missense variant.
Genome position (GRCh38, 1-based): chr1:179,903,996, T>C. VCF-style: chr1-179903996-T-C. GRCh37 (hg19) VCF-style: chr1-179873131-T-C.
Other names: c.773T>C, p.Ile258Thr (NM_001267578.2); short protein forms I258T, I257T.
Identifiers: ClinVar variation 1975496 (VCV001975496.5), dbSNP rs749139843, ClinGen allele CA1268944.
Genomic context (GRCh38, chr1:179,903,996, plus strand): 5'-ATTTATAGTGTACTGTTTTTTATTTTTTAGATAAAACCACCAGATCATCTAGTCAATATA[T>C]AGAATCATTTTGGCAGTCATCACAAAGTAAGTAAAGCTGTGTTTACAGTGTCTTCCTGTG-3'
Protein context (NP_056417.2, residues 247-267): DKTTRSSSQY[Ile257Thr]ESFWQSSQSQ